The following is an entry in ClinVar:

ClinVar aggregate classification (germline): Benign/Likely benign. Review status: criteria provided, multiple submitters, no conflicts (2 of 4 stars). 11 submissions from 11 submitters: Benign (2); Likely benign (4). 5 of the submissions do not count toward it. Last evaluated 2026-04-01.

Conditions:
TBCE-related disorder. Also called: TBCE-related disorders; TBCE-related condition.
Hypoparathyroidism-retardation-dysmorphism syndrome (HRDS). Also called: SANJAD-SAKATI SYNDROME. Identifiers: Orphanet 2323, MedGen C1855840, MONDO:0009426, OMIM 241410.

Allele frequency attached by ClinVar (database versions not stated): 1000 Genomes Project 30x 0.00078; 1000 Genomes Project 0.00100; TOPMed 0.00220; ESP Exome Variant Server 0.00269; gnomAD 0.00282 and 0.00297; gnomAD exomes 0.00325 and 0.00362; ExAC 0.00352.
gnomAD v4.1: 5,163 of 1,613,540 alleles (0.32%); highest among the groups gnomAD compares: Non-Finnish European, 0.33%; 10 homozygotes.

Submissions (11):

CeGaT Center for Human Genetics Tuebingen
Classification: Likely benign. Last evaluated: 2026-04-01. Review status: criteria provided, single submitter. Criteria: CeGaT Center For Human Genetics Tuebingen Variant Classification Criteria Version 2. Collection method: clinical testing. Allele origin: germline. Affected: yes. Observed: 7 variant alleles.
Comment: TBCE: BS2

Labcorp Genetics (formerly Invitae), Labcorp
Classification: Benign. Last evaluated: 2026-02-01. Review status: criteria provided, single submitter. Criteria: Invitae Variant Classification Sherloc (09022015). Collection method: clinical testing. Allele origin: germline.

Blueprint Genetics
Classification: Likely benign. Last evaluated: 2024-11-20. Review status: criteria provided, single submitter. Criteria: ACMG Guidelines, 2015. Collection method: clinical testing. Allele origin: germline.

Illumina Laboratory Services, Illumina
Classification: Likely benign for Hypoparathyroidism-retardation-dysmorphism syndrome. Last evaluated: 2018-01-13. Review status: criteria provided, single submitter. Criteria: ICSL Variant Classification Criteria 13 December 2019. Collection method: clinical testing. Allele origin: germline.
Comment: This variant was observed in the ICSL laboratory as part of a predisposition screen in an ostensibly healthy population. It had not been previously curated by ICSL or reported in the Human Gene Mutation Database (HGMD: prior to June 1st, 2018), and was therefore a candidate for classification through an automated scoring system. Utilizing variant allele frequency, disease prevalence and penetrance estimates, and inheritance mode, an automated score was calculated to assess if this variant is too frequent to cause the disease. Based on the score and internal cut-off values, a variant classified as likely benign is not then subjected to further curation. The score for this variant resulted in a classification of likely benign for this disease.

Eurofins Ntd Llc (ga)
Classification: Benign. Last evaluated: 2016-03-02. Review status: criteria provided, single submitter. Criteria: EGL Classification Definitions 2015. Collection method: clinical testing. Allele origin: germline. Observed: 1 variant allele, 1 heterozygote.

Breakthrough Genomics
Classification: Likely benign. Review status: criteria provided, single submitter. Criteria: ACMG Guidelines, 2015. Collection method: not provided. Allele origin: germline. Inheritance: Autosomal recessive inheritance. Affected: yes.

PreventionGenetics, part of Exact Sciences
Classification: Benign for TBCE-related condition. Last evaluated: 2024-04-29. Review status: no assertion criteria provided. Collection method: clinical testing. Allele origin: germline. Not counted in ClinVar's aggregate classification.
Comment: This variant is classified as benign based on ACMG/AMP sequence variant interpretation guidelines (Richards et al. 2015 PMID: 25741868, with internal and published modifications).

Clinical Genetics, Academic Medical Center
Classification: Likely benign. Review status: no assertion criteria provided. Collection method: clinical testing. Allele origin: germline. Affected: yes. Study: VKGL Data-share Consensus. Not counted in ClinVar's aggregate classification.

Diagnostic Laboratory, Department of Genetics, University Medical Center Groningen
Classification: Likely benign. Review status: no assertion criteria provided. Collection method: clinical testing. Allele origin: germline. Affected: yes. Study: VKGL Data-share Consensus. Not counted in ClinVar's aggregate classification.

Genome Diagnostics Laboratory, University Medical Center Utrecht
Classification: Likely benign. Review status: no assertion criteria provided. Collection method: clinical testing. Allele origin: germline. Affected: yes. Study: VKGL Data-share Consensus. Not counted in ClinVar's aggregate classification.

Laboratory of Diagnostic Genome Analysis, Leiden University Medical Center (LUMC)
Classification: Likely benign. Review status: no assertion criteria provided. Collection method: clinical testing. Allele origin: germline. Affected: yes. Study: VKGL Data-share Consensus. Not counted in ClinVar's aggregate classification.

NM_003193.5(TBCE):c.214C>T (p.Pro72Ser)

Gene: TBCE (tubulin folding cofactor E; plus strand). Cytogenetic location: 1q42.3.
Variant type: single nucleotide variant.
Coding change: c.214C>T on transcript NM_003193.5 (MANE Select); coding-DNA position 214, C replaced by T.
Protein change: p.Pro72Ser; replaces proline 72 with serine.
Molecular consequence: missense variant. On other transcripts: 5 prime UTR variant (1).
Genome position (GRCh38, 1-based): chr1:235,414,461, C>T. VCF-style: chr1-235414461-C-T. GRCh37 (hg19) VCF-style: chr1-235577776-C-T.
Other names: c.214C>T, p.Pro72Ser (NM_001079515.3, NM_001287801.2); c.-182C>T (NM_001287802.2); c.214C>T (NM_001287801.1); short protein forms P72S.
Identifiers: ClinVar variation 286377 (VCV000286377.59), dbSNP rs62620041, ClinGen allele CA1463972.